The following is an entry in ClinVar:

ClinVar aggregate classification (germline): Uncertain significance. Review status: criteria provided, multiple submitters, no conflicts (2 of 4 stars). 3 submissions from 3 submitters: Uncertain significance (3). Last evaluated 2025-03-13.

Conditions:
Hereditary cancer-predisposing syndrome. Also called: Hereditary neoplastic syndrome; Neoplastic Syndromes, Hereditary; Tumor predisposition; Hereditary Cancer Syndrome. Identifiers: Orphanet 140162, MedGen C0027672, MeSH D009386, MONDO:0015356.
Oligodontia-cancer predisposition syndrome. Also called: TOOTH AGENESIS-COLORECTAL CANCER SYNDROME. Identifiers: Orphanet 300576, MedGen C1837750, MONDO:0012075, OMIM 608615. Disease mechanism: loss of function.

Allele frequency attached by ClinVar (database versions not stated): gnomAD exomes below 0.00001.
gnomAD v4.1: 2 of 1,614,144 alleles (0.00012%); highest among the groups gnomAD compares: East Asian, 0.0022%; no homozygotes.

Submissions (3):

Ambry Genetics
Classification: Uncertain significance for Hereditary cancer-predisposing syndrome. Last evaluated: 2025-03-13. Review status: criteria provided, single submitter. Criteria: Ambry Variant Classification Scheme 2023. Collection method: clinical testing. Allele origin: germline.
Comment: The p.K132R variant (also known as c.395A>G), located in coding exon 1 of the AXIN2 gene, results from an A to G substitution at nucleotide position 395. The lysine at codon 132 is replaced by arginine, an amino acid with highly similar properties. This amino acid position is highly conserved in available vertebrate species. In addition, this alteration is predicted to be tolerated by in silico analysis. Based on the available evidence, the clinical significance of this variant remains unclear.

KCCC/NGS Laboratory, Kuwait Cancer Control Center
Classification: Uncertain significance for Oligodontia-cancer predisposition syndrome. Last evaluated: 2023-07-07. Review status: criteria provided, single submitter. Criteria: ACMG Guidelines, 2015. Collection method: clinical testing. Allele origin: unknown. Affected: yes.
Comment: A variant of uncertain significance was also detected in AXIN2 gene (c.395A>G). This sequence change replaces lysine with arginine at codon 132 of the AXIN2 protein (p.Lys132Arg). The lysine residue is highly conserved and there is a small physicochemical difference between lysine and arginine. This variant is not present in population databases (genomeAD). This variant has been reported to affect AXIN2 protein function (PMID: 30760879). Therefore, it has been classified as a Variant of Uncertain Significance.

Labcorp Genetics (formerly Invitae), Labcorp
Classification: Uncertain significance for Oligodontia-cancer predisposition syndrome. Last evaluated: 2021-10-31. Review status: criteria provided, single submitter. Criteria: Invitae Variant Classification Sherloc (09022015). Collection method: clinical testing. Allele origin: germline.
Comment: This sequence change replaces lysine, which is basic and polar, with arginine, which is basic and polar, at codon 132 of the AXIN2 protein (p.Lys132Arg). This variant is not present in population databases (gnomAD no frequency). This missense change has been observed in individual(s) with congenital heart disease (PMID: 30760879). ClinVar contains an entry for this variant (Variation ID: 949202). Algorithms developed to predict the effect of missense changes on protein structure and function are either unavailable or do not agree on the potential impact of this missense change (SIFT: "Tolerated"; PolyPhen-2: "Probably Damaging"; Align-GVGD: "Class C0"). Experimental studies have shown that this missense change affects AXIN2 function (PMID: 30760879). In summary, the available evidence is currently insufficient to determine the role of this variant in disease. Therefore, it has been classified as a Variant of Uncertain Significance.

Literature cited by the submitters: PubMed 30760879 (cited by Labcorp Genetics (formerly Invitae), Labcorp).

NM_004655.4(AXIN2):c.395A>G (p.Lys132Arg)

Gene: AXIN2 (axin 2; minus strand). Cytogenetic location: 17q24.1.
Variant type: single nucleotide variant.
Coding change: c.395A>G on transcript NM_004655.4 (MANE Select); coding-DNA position 395, A replaced by G.
Protein change: p.Lys132Arg; replaces lysine 132 with arginine.
Molecular consequence: missense variant.
Genome position (GRCh38, 1-based): chr17:65,558,226, T>C on the plus strand (A>G on the coding strand, the complement: AXIN2 is on the minus strand). VCF-style: chr17-65558226-T-C. GRCh37 (hg19) VCF-style: chr17-63554344-T-C.
Other names: c.395A>G, p.Lys132Arg (NM_001363813.1); short protein forms K132R.
Identifiers: ClinVar variation 949202 (VCV000949202.9), dbSNP rs2044302758, ClinGen allele CA400681487.